The following is an entry in ClinVar:

ClinVar aggregate classification (germline): Uncertain significance (1 of 4 stars; one submission).

gnomAD v4.1: 1 of 1,614,108 alleles (0.000062%); highest among the groups gnomAD compares: Admixed American, 0.0017%; no homozygotes.

Submission:

GeneDx
Classification: Uncertain significance. Last evaluated: 2025-03-24. Review status: criteria provided, single submitter. Criteria: GeneDx Variant Classification Process June 2021. Collection method: clinical testing. Allele origin: germline. Affected: yes.
Comment: In silico analysis indicates that this missense variant does not alter protein structure/function; Has not been previously published as pathogenic or benign to our knowledge

NM_018489.3(ASH1L):c.5174A>G (p.Glu1725Gly)

Gene: ASH1L (ASH1 like histone lysine methyltransferase; minus strand). Cytogenetic location: 1q22.
Variant type: single nucleotide variant.
Coding change: c.5174A>G on transcript NM_018489.3 (MANE Select); coding-DNA position 5174, A replaced by G.
Protein change: p.Glu1725Gly; replaces glutamic acid 1725 with glycine.
Molecular consequence: missense variant.
Genome position (GRCh38, 1-based): chr1:155,438,981, T>C on the plus strand (A>G on the coding strand, the complement: ASH1L is on the minus strand). VCF-style: chr1-155438981-T-C. GRCh37 (hg19) VCF-style: chr1-155408772-T-C.
Other names: c.5174A>G, p.Glu1725Gly (NM_001366177.2); short protein forms E1725G.
Identifiers: ClinVar variation 4087900 (VCV004087900.1).